The following is an entry in ClinVar:

NM_052989.3(IFT122):c.273-334T>G

Gene: IFT122 (intraflagellar transport 122; plus strand). Cytogenetic location: 3q21.3.
Variant type: single nucleotide variant.
Coding change: c.273-334T>G on transcript NM_052989.3 (MANE Select); 334 bases into the intron before coding-DNA position 273, T replaced by G.
Molecular consequence: intron variant. On other transcripts: missense variant (2).
Genome position (GRCh38, 1-based): chr3:129,460,894, T>G. VCF-style: chr3-129460894-T-G. GRCh37 (hg19) VCF-style: chr3-129179737-T-G.
Other names: c.313T>G, p.Phe105Val (NM_001280541.2, NM_052985.4); c.-178-334T>G (NM_001280545.2, NM_001280546.2); c.273-334T>G (NM_018262.4); c.194-2666T>G (NM_052990.3); short protein forms F105V.
Identifiers: ClinVar variation 1976895 (VCV001976895.5), dbSNP rs2531361644, ClinGen allele CA354471381.
Genomic context (GRCh38, chr3:129,460,894, plus strand): 5'-AGGATTTGTCATGTTTCCAGATCTTGGTCTGTGATGTCTTCATTGCACCTCCATCTTCCA[T>G]TTCTGGGCCTCCACAAAACAGTAAGAGTAACAGCCACAGATAAAGCACCTAAAGGCCAAG-3'

ClinVar aggregate classification (germline): Uncertain significance (1 of 4 stars; one submission).

Conditions:
Cranioectodermal dysplasia 1 (CED1). Also called: LEVIN SYNDROME I. Identifiers: Orphanet 1515, MedGen C0432235, MONDO:0021093, OMIM 218330.

Submission:

Labcorp Genetics (formerly Invitae), Labcorp
Classification: Uncertain significance for Cranioectodermal dysplasia 1. Last evaluated: 2022-03-10. Review status: criteria provided, single submitter. Criteria: Invitae Variant Classification Sherloc (09022015). Collection method: clinical testing. Allele origin: germline.
Comment: This sequence change replaces phenylalanine, which is neutral and non-polar, with valine, which is neutral and non-polar, at codon 105 of the IFT122 protein (p.Phe105Val). In summary, the available evidence is currently insufficient to determine the role of this variant in disease. Therefore, it has been classified as a Variant of Uncertain Significance. Algorithms developed to predict the effect of missense changes on protein structure and function are either unavailable or do not agree on the potential impact of this missense change (SIFT: "Deleterious"; PolyPhen-2: "Benign"; Align-GVGD: "Class C0"). This variant has not been reported in the literature in individuals affected with IFT122-related conditions. This variant is not present in population databases (gnomAD no frequency).